The following is an entry in ClinVar:

ClinVar aggregate classification (germline): Likely benign (0 of 4 stars; one submission).

Conditions:
SHOX2-related disorder. Also called: SHOX2-related condition.

Allele frequency attached by ClinVar (database versions not stated): ExAC 0.00014.

Submission:

PreventionGenetics, part of Exact Sciences
Classification: Likely benign for SHOX2-related condition. Last evaluated: 2019-04-08. Review status: no assertion criteria provided. Collection method: clinical testing. Allele origin: germline.
Comment: This variant is classified as likely benign based on ACMG/AMP sequence variant interpretation guidelines (Richards et al. 2015 PMID: 25741868, with internal and published modifications).

NM_001163678.2(SHOX2):c.306C>G (p.Ala102=)

Gene: SHOX2 (SHOX homeobox 2; minus strand). Cytogenetic location: 3q25.32.
Variant type: single nucleotide variant.
Coding change: c.306C>G on transcript NM_001163678.2 (MANE Select); coding-DNA position 306, C replaced by G.
Protein change: p.Ala102=; no amino-acid change (alanine 102 retained).
Molecular consequence: synonymous variant.
Genome position (GRCh38, 1-based): chr3:158,105,719, G>C on the plus strand (C>G on the coding strand, the complement: SHOX2 is on the minus strand). VCF-style: chr3-158105719-G-C. GRCh37 (hg19) VCF-style: chr3-157823508-G-C.
Other names: c.306C>G, p.Ala102= (NM_003030.4, NM_006884.3).
Identifiers: ClinVar variation 3046370 (VCV003046370.2), dbSNP rs535505596, ClinGen allele CA2681381.